The following is an entry in ClinVar:

NM_002225.5(IVD):c.541G>T (p.Glu181Ter)

Gene: IVD (isovaleryl-CoA dehydrogenase; plus strand). Cytogenetic location: 15q15.1.
Variant type: single nucleotide variant.
Coding change: c.541G>T on transcript NM_002225.5 (MANE Select); coding-DNA position 541, G replaced by T.
Protein change: p.Glu181Ter; replaces glutamic acid 181 with a stop codon.
Molecular consequence: nonsense. On other transcripts: non-coding transcript variant (1).
Genome position (GRCh38, 1-based): chr15:40,411,344, G>T. VCF-style: chr15-40411344-G-T. GRCh37 (hg19) VCF-style: chr15-40703543-G-T.
Other names: c.451G>T, p.Glu151Ter (NM_001159508.3); c.493G>T, p.Glu165Ter (NM_001354597.3); c.541G>T, p.Glu181Ter (NM_001354598.3, NM_001354601.3); c.628G>T, p.Glu210Ter (NM_001354599.3, NM_001354600.3); short protein forms E165*, E210*, E151*, E181*.
Identifiers: ClinVar variation 1393907 (VCV001393907.6), dbSNP rs2141329244, ClinGen allele CA391717285.
Genomic context (GRCh38, chr15:40,411,344, plus strand): 5'-GCCCTGGCCATGAGTGAGCCCAATGCAGGCTCTGATGTTGTCTCTATGAAGCTCAAAGCG[G>T]AAAAGAAAGGTGAGGCCACTCTCAACTTGGGAGCCAAAATGGGCAGAGGTACAGACATTA-3'

ClinVar aggregate classification (germline): Pathogenic (1 of 4 stars; one submission).

Conditions:
Isovaleryl-CoA dehydrogenase deficiency (IVA). Also called: ISOVALERIC ACID CoA DEHYDROGENASE DEFICIENCY; Isovaleric acidemia; Classic Isovaleric Acidemia; IVD DEFICIENCY. Identifiers: Orphanet 33, MedGen C0268575, MONDO:0009475, OMIM 243500.

Submission:

Labcorp Genetics (formerly Invitae), Labcorp
Classification: Pathogenic for Isovaleryl-CoA dehydrogenase deficiency. Last evaluated: 2021-01-25. Review status: criteria provided, single submitter. Criteria: Invitae Variant Classification Sherloc (09022015). Collection method: clinical testing. Allele origin: germline.
Comment: This sequence change creates a premature translational stop signal (p.Glu184*) in the IVD gene. It is expected to result in an absent or disrupted protein product. Loss-of-function variants in IVD are known to be pathogenic (PMID: 16602101). For these reasons, this variant has been classified as Pathogenic. This variant has not been reported in the literature in individuals with IVD-related conditions. This variant is not present in population databases (ExAC no frequency).

Literature cited by the submitters: PubMed 16602101.